The following is an entry in ClinVar:

ClinVar aggregate classification (germline): Uncertain significance (1 of 4 stars; one submission).

Allele frequency attached by ClinVar (database versions not stated): ExAC 0.00001; gnomAD exomes 0.00001.
gnomAD v4.1: 23 of 1,614,096 alleles (0.0014%); highest among the groups gnomAD compares: Non-Finnish European, 0.0017%; no homozygotes.

Submission:

Labcorp Genetics (formerly Invitae), Labcorp
Classification: Uncertain significance. Last evaluated: 2022-07-19. Review status: criteria provided, single submitter. Criteria: Invitae Variant Classification Sherloc (09022015). Collection method: clinical testing. Allele origin: germline.
Comment: In summary, the available evidence is currently insufficient to determine the role of this variant in disease. Therefore, it has been classified as a Variant of Uncertain Significance. Advanced modeling of protein sequence and biophysical properties (such as structural, functional, and spatial information, amino acid conservation, physicochemical variation, residue mobility, and thermodynamic stability) performed at Invitae indicates that this missense variant is expected to disrupt FLNB protein function. ClinVar contains an entry for this variant (Variation ID: 1471857). This variant has not been reported in the literature in individuals affected with FLNB-related conditions. This variant is present in population databases (rs754737303, gnomAD 0.004%). This sequence change replaces proline, which is neutral and non-polar, with alanine, which is neutral and non-polar, at codon 933 of the FLNB protein (p.Pro933Ala).

NM_001457.4(FLNB):c.2797C>G (p.Pro933Ala)

Gene: FLNB (filamin B; plus strand). Cytogenetic location: 3p14.3.
Variant type: single nucleotide variant.
Coding change: c.2797C>G on transcript NM_001457.4 (MANE Select); coding-DNA position 2797, C replaced by G.
Protein change: p.Pro933Ala; replaces proline 933 with alanine.
Molecular consequence: missense variant.
Genome position (GRCh38, 1-based): chr3:58,118,923, C>G. VCF-style: chr3-58118923-C-G. GRCh37 (hg19) VCF-style: chr3-58104650-C-G.
Other names: c.2797C>G, p.Pro933Ala (NM_001164317.2, NM_001164318.2, NM_001164319.2); short protein forms P933A.
Identifiers: ClinVar variation 1471857 (VCV001471857.8), dbSNP rs754737303, ClinGen allele CA2468240.